The following is an entry in ClinVar:

ClinVar aggregate classification (germline): Uncertain significance (1 of 4 stars; one submission).

Allele frequency attached by ClinVar (database versions not stated): gnomAD exomes below 0.00001 and 0.00001; ExAC 0.00001; TOPMed 0.00001.
gnomAD v4.1: 3 of 1,612,480 alleles (0.00019%); highest among the groups gnomAD compares: Admixed American, 0.0033%; no homozygotes.

Submission:

Labcorp Genetics (formerly Invitae), Labcorp
Classification: Uncertain significance. Last evaluated: 2021-05-14. Review status: criteria provided, single submitter. Criteria: Invitae Variant Classification Sherloc (09022015). Collection method: clinical testing. Allele origin: germline.
Comment: In summary, the available evidence is currently insufficient to determine the role of this variant in disease. Therefore, it has been classified as a Variant of Uncertain Significance. Algorithms developed to predict the effect of missense changes on protein structure and function output the following: SIFT: "Tolerated"; PolyPhen-2: "Benign"; Align-GVGD: "Class C0". The alanine amino acid residue is found in multiple mammalian species, suggesting that this missense change does not adversely affect protein function. These predictions have not been confirmed by published functional studies and their clinical significance is uncertain. This variant has not been reported in the literature in individuals with ERCC3-related conditions. This variant is present in population databases (rs780564758, ExAC 0.009%). This sequence change replaces threonine with alanine at codon 223 of the ERCC3 protein (p.Thr223Ala). The threonine residue is weakly conserved and there is a small physicochemical difference between threonine and alanine.

NM_000122.2(ERCC3):c.667A>G (p.Thr223Ala)

Gene: ERCC3 (ERCC excision repair 3, TFIIH core complex helicase subunit; minus strand). Cytogenetic location: 2q14.3.
Variant type: single nucleotide variant.
Coding change: c.667A>G on transcript NM_000122.2 (MANE Select); coding-DNA position 667, A replaced by G.
Protein change: p.Thr223Ala; replaces threonine 223 with alanine.
Molecular consequence: missense variant.
Genome position (GRCh38, 1-based): chr2:127,289,492, T>C on the plus strand (A>G on the coding strand, the complement: ERCC3 is on the minus strand). VCF-style: chr2-127289492-T-C. GRCh37 (hg19) VCF-style: chr2-128047068-T-C.
Other names: c.475A>G, p.Thr159Ala (NM_001303416.2, NM_001303418.2); short protein forms T159A, T223A.
Identifiers: ClinVar variation 1467110 (VCV001467110.8), dbSNP rs780564758, ClinGen allele CA1858462.